The following is an entry in ClinVar:

NM_018979.4(WNK1):c.2529G>A (p.Gln843=)

Gene: WNK1 (WNK lysine deficient protein kinase 1; plus strand). Cytogenetic location: 12p13.33.
Variant type: single nucleotide variant.
Coding change: c.2529G>A on transcript NM_018979.4 (MANE Select); coding-DNA position 2529, G replaced by A.
Protein change: p.Gln843=; no amino-acid change (glutamine 843 retained).
Molecular consequence: synonymous variant. On other transcripts: intron variant (3).
Genome position (GRCh38, 1-based): chr12:879,728, G>A. VCF-style: chr12-879728-G-A. GRCh37 (hg19) VCF-style: chr12-988894-G-A.
Other names: p.Gln843=; c.3867+1367G>A (NM_213655.5); c.3613-993G>A (NM_001184985.2); c.2370+1367G>A (NM_014823.3).
Identifiers: ClinVar variation 261068 (VCV000261068.17), dbSNP rs9804992, ClinGen allele CA6382503.

ClinVar aggregate classification (germline): Benign. Review status: criteria provided, multiple submitters, no conflicts (2 of 4 stars). 7 submissions from 7 submitters: Benign (7). Last evaluated 2026-01-26.

Conditions:
Pseudohypoaldosteronism type 2C (PHA2C). Also called: Pseudohypoaldosteronism Type IIC. Identifiers: Orphanet 757, Orphanet 88940, MedGen C1840391, MONDO:0013778, OMIM 614492.
Neuropathy, hereditary sensory and autonomic, type 2A (HSAN2A). Also called: ACROOSTEOLYSIS, GIACCAI TYPE; ACROOSTEOLYSIS, NEUROGENIC; MORVAN DISEASE; NEUROPATHY, CONGENITAL SENSORY; NEUROPATHY, HEREDITARY SENSORY RADICULAR, AUTOSOMAL RECESSIVE; NEUROPATHY, HEREDITARY SENSORY, TYPE IIA. Identifiers: Orphanet 970, MedGen C2752089, MONDO:0024309, OMIM 201300.

Allele frequency attached by ClinVar (database versions not stated): gnomAD 0.14500 and 0.14622; 1000 Genomes Project 0.14577; 1000 Genomes Project 30x 0.14585; ESP Exome Variant Server 0.14778; TOPMed 0.15111; ExAC 0.15418; gnomAD exomes 0.15701.

Submissions (7):

Labcorp Genetics (formerly Invitae), Labcorp
Classification: Benign for Neuropathy, hereditary sensory and autonomic, type 2A; Pseudohypoaldosteronism type 2C. Last evaluated: 2026-01-26. Review status: criteria provided, single submitter. Criteria: Invitae Variant Classification Sherloc (09022015). Collection method: clinical testing. Allele origin: germline.

Blueprint Genetics
Classification: Benign. Last evaluated: 2024-11-27. Review status: criteria provided, single submitter. Criteria: ACMG Guidelines, 2015. Collection method: clinical testing. Allele origin: germline.

Mayo Clinic Laboratories, Mayo Clinic
Classification: Benign. Last evaluated: 2022-03-09. Review status: criteria provided, single submitter. Criteria: ACMG Guidelines, 2015. Collection method: clinical testing. Allele origin: germline. Observed: 420 variant alleles.

Illumina Laboratory Services, Illumina
Classification: Benign for Pseudohypoaldosteronism type 2C. Last evaluated: 2018-01-12. Review status: criteria provided, single submitter. Criteria: ICSL Variant Classification Criteria 13 December 2019. Collection method: clinical testing. Allele origin: germline.
Comment: This variant was observed in the ICSL laboratory as part of a predisposition screen in an ostensibly healthy population. It had not been previously curated by ICSL or reported in the Human Gene Mutation Database (HGMD: prior to June 1st, 2018), and was therefore a candidate for classification through an automated scoring system. Utilizing variant allele frequency, disease prevalence and penetrance estimates, and inheritance mode, an automated score was calculated to assess if this variant is too frequent to cause the disease. Based on the score and internal cut-off values, a variant classified as benign is not then subjected to further curation. The score for this variant resulted in a classification of benign for this disease.

GeneDx
Classification: Benign. Last evaluated: 2015-03-03. Review status: criteria provided, single submitter. Criteria: GeneDx Variant Classification Process June 2021. Collection method: clinical testing. Allele origin: germline. Affected: yes.

Breakthrough Genomics
Classification: Benign. Review status: criteria provided, single submitter. Criteria: ACMG Guidelines, 2015. Collection method: not provided. Allele origin: germline. Inheritance: Autosomal recessive inheritance. Affected: yes.

PreventionGenetics, part of Exact Sciences
Classification: Benign. Review status: criteria provided, single submitter. Criteria: ACMG Guidelines, 2015. Collection method: clinical testing. Allele origin: germline.